The following is an entry in ClinVar:

NM_006129.5(BMP1):c.1121T>C (p.Leu374Pro)

Gene: BMP1 (bone morphogenetic protein 1; plus strand). Cytogenetic location: 8p21.3.
Variant type: single nucleotide variant.
Coding change: c.1121T>C on transcript NM_006129.5 (MANE Select); coding-DNA position 1121, T replaced by C.
Protein change: p.Leu374Pro; replaces leucine 374 with proline.
Molecular consequence: missense variant. On other transcripts: non-coding transcript variant (2).
Genome position (GRCh38, 1-based): chr8:22,192,092, T>C. VCF-style: chr8-22192092-T-C. GRCh37 (hg19) VCF-style: chr8-22049605-T-C.
Other names: c.1121T>C, p.Leu374Pro (NM_001199.4); short protein forms L374P.
Identifiers: ClinVar variation 1960126 (VCV001960126.2), dbSNP rs2539006403, ClinGen allele CA370490737.

ClinVar aggregate classification (germline): Uncertain significance (1 of 4 stars; one submission).

Submission:

Labcorp Genetics (formerly Invitae), Labcorp
Classification: Uncertain significance. Last evaluated: 2022-08-02. Review status: criteria provided, single submitter. Criteria: Invitae Variant Classification Sherloc (09022015). Collection method: clinical testing. Allele origin: germline.
Comment: This sequence change replaces leucine, which is neutral and non-polar, with proline, which is neutral and non-polar, at codon 374 of the BMP1 protein (p.Leu374Pro). This variant is not present in population databases (gnomAD no frequency). This variant has not been reported in the literature in individuals affected with BMP1-related conditions. Algorithms developed to predict the effect of missense changes on protein structure and function are either unavailable or do not agree on the potential impact of this missense change (SIFT: "Deleterious"; PolyPhen-2: "Benign"; Align-GVGD: "Class C65"). In summary, the available evidence is currently insufficient to determine the role of this variant in disease. Therefore, it has been classified as a Variant of Uncertain Significance.